The following is an entry in ClinVar:

NM_058179.4(PSAT1):c.1088A>T (p.Lys363Ile)

Gene: PSAT1 (phosphoserine aminotransferase 1; plus strand). Cytogenetic location: 9q21.2.
Variant type: single nucleotide variant.
Coding change: c.1088A>T on transcript NM_058179.4 (MANE Select); coding-DNA position 1088, A replaced by T.
Protein change: p.Lys363Ile; replaces lysine 363 with isoleucine.
Molecular consequence: missense variant.
Genome position (GRCh38, 1-based): chr9:78,329,061, A>T. VCF-style: chr9-78329061-A-T. GRCh37 (hg19) VCF-style: chr9-80943977-A-T.
Other names: c.950A>T, p.Lys317Ile (NM_021154.5); short protein forms K363I, K317I.
Identifiers: ClinVar variation 1396711 (VCV001396711.6), dbSNP rs1417176374, ClinGen allele CA373862354.

ClinVar aggregate classification (germline): Uncertain significance (1 of 4 stars; one submission).

Conditions:
Neu-Laxova syndrome 2. Identifiers: Orphanet 2671, Orphanet 583602, MedGen C4015019, MONDO:0014466, OMIM 616038.

Submission:

Labcorp Genetics (formerly Invitae), Labcorp
Classification: Uncertain significance for Neu-Laxova syndrome 2. Last evaluated: 2022-01-13. Review status: criteria provided, single submitter. Criteria: Invitae Variant Classification Sherloc (09022015). Collection method: clinical testing. Allele origin: germline.
Comment: This sequence change replaces lysine, which is basic and polar, with isoleucine, which is neutral and non-polar, at codon 363 of the PSAT1 protein (p.Lys363Ile). This variant is not present in population databases (gnomAD no frequency). This variant has not been reported in the literature in individuals affected with PSAT1-related conditions. Algorithms developed to predict the effect of missense changes on protein structure and function (SIFT, PolyPhen-2, Align-GVGD) all suggest that this variant is likely to be tolerated. In summary, the available evidence is currently insufficient to determine the role of this variant in disease. Therefore, it has been classified as a Variant of Uncertain Significance.